The following is an entry in ClinVar:

ClinVar aggregate classification (germline): Likely benign (1 of 4 stars; one submission).

Conditions:
Familial hypokalemia-hypomagnesemia (GTLMNS). Also called: gitelman syndrome; HYPOMAGNESEMIA-HYPOKALEMIA, PRIMARY RENOTUBULAR, WITH HYPOCALCIURIA; POTASSIUM AND MAGNESIUM DEPLETION. Identifiers: Orphanet 358, MedGen C0268450, MONDO:0009904, OMIM 263800.

Submission:

European Hospital Georges Pompidou Genetics Department, Assistance Publique - Hôpitaux de Paris AP-HP
Classification: Likely benign for Familial hypokalemia-hypomagnesemia. Last evaluated: 2022-04-27. Review status: criteria provided, single submitter. Criteria: ACMG Guidelines, 2015. Collection method: clinical testing, in vitro. Allele origin: germline. Affected: yes.
Comment: ACMG criteria used:PM2 PM3 BS3

NM_001126108.2(SLC12A3):c.430-472_430-461del

Gene: SLC12A3 (solute carrier family 12 member 3; plus strand). Cytogenetic location: 16q13.
Variant type: Deletion.
Coding change: c.430-472_430-461del on transcript NM_001126108.2 (MANE Select); 472 bases into the intron before coding-DNA position 430 through 461 bases into the intron before coding-DNA position 430, 12 bases deleted (AGCCTCCATCTC).
Molecular consequence: intron variant.
Genome position (GRCh38, 1-based): chr16:56,867,825-56,867,836, AGCCTCCATCTC deleted; deleting any 12 consecutive bases within chr16:56,867,823-56,867,836 gives the same sequence; the c. name uses the placement nearest the transcript's 3' end. VCF-style (leftmost placement, unchanged base first): chr16-56867822-TTCAGCCTCCATC-T. GRCh37 (hg19) VCF-style: chr16-56901734-TTCAGCCTCCATC-T.
Other names: c.430-472_430-461del (NM_000339.3); c.427-472_427-461del (NM_001126107.2).
Identifiers: ClinVar variation 1684187 (VCV001684187.1), dbSNP rs553429427, ClinGen allele CA281493353.